The following is an entry in ClinVar:

ClinVar aggregate classification (germline): Uncertain significance. Review status: criteria provided, multiple submitters, no conflicts (2 of 4 stars). 2 submissions from 2 submitters: Uncertain significance (2). Last evaluated 2022-02-07.

Conditions:
Charcot-Marie-Tooth disease type 4. Also called: Charcot-Marie-Tooth, Type 4; Charcot-Marie-Tooth disease, type IV. Identifiers: Orphanet 64749, MedGen C4082197, MONDO:0018995.
Inborn genetic diseases. Identifiers: MedGen C0950123, MeSH D030342.

Allele frequency attached by ClinVar (database versions not stated): gnomAD exomes below 0.00001; ExAC 0.00001; gnomAD 0.00001; TOPMed 0.00002.
gnomAD v4.1: 3 of 1,614,092 alleles (0.00019%); highest among the groups gnomAD compares: African/African-American, 0.0013%; no homozygotes.

Submissions (2):

Labcorp Genetics (formerly Invitae), Labcorp
Classification: Uncertain significance for Charcot-Marie-Tooth disease type 4. Last evaluated: 2022-02-07. Review status: criteria provided, single submitter. Criteria: Invitae Variant Classification Sherloc (09022015). Collection method: clinical testing. Allele origin: germline.
Comment: This sequence change replaces threonine, which is neutral and polar, with alanine, which is neutral and non-polar, at codon 1364 of the SBF2 protein (p.Thr1364Ala). In summary, the available evidence is currently insufficient to determine the role of this variant in disease. Therefore, it has been classified as a Variant of Uncertain Significance. Algorithms developed to predict the effect of missense changes on protein structure and function output the following: SIFT: "Tolerated"; PolyPhen-2: "Benign"; Align-GVGD: "Class C0". The alanine amino acid residue is found in multiple mammalian species, which suggests that this missense change does not adversely affect protein function. This variant has not been reported in the literature in individuals affected with SBF2-related conditions. This variant is present in population databases (rs767276878, gnomAD 0.003%).

Ambry Genetics
Classification: Uncertain significance for Inborn genetic diseases. Last evaluated: 2020-08-10. Review status: criteria provided, single submitter. Criteria: Ambry Variant Classification Scheme 2023. Collection method: clinical testing. Allele origin: germline.
Comment: The p.T1364A variant (also known as c.4090A>G), located in coding exon 30 of the SBF2 gene, results from an A to G substitution at nucleotide position 4090. The threonine at codon 1364 is replaced by alanine, an amino acid with similar properties. This amino acid position is not well conserved in available vertebrate species. In addition, this alteration is predicted to be tolerated by in silico analysis. Since supporting evidence is limited at this time, the clinical significance of this alteration remains unclear.

NM_030962.4(SBF2):c.4090A>G (p.Thr1364Ala)

Gene: SBF2 (SET binding factor 2; minus strand). Cytogenetic location: 11p15.4.
Variant type: single nucleotide variant.
Coding change: c.4090A>G on transcript NM_030962.4 (MANE Select); coding-DNA position 4090, A replaced by G.
Protein change: p.Thr1364Ala; replaces threonine 1364 with alanine.
Molecular consequence: missense variant.
Genome position (GRCh38, 1-based): chr11:9,812,597, T>C on the plus strand (A>G on the coding strand, the complement: SBF2 is on the minus strand). VCF-style: chr11-9812597-T-C. GRCh37 (hg19) VCF-style: chr11-9834144-T-C.
Other names: c.4186A>G, p.Thr1396Ala (NM_001386339.1); c.3961A>G, p.Thr1321Ala (NM_001386342.1); short protein forms T1396A, T1321A, T1364A.
Identifiers: ClinVar variation 1737744 (VCV001737744.5), dbSNP rs767276878, ClinGen allele CA5881068.